The following is an entry in ClinVar:

ClinVar aggregate classification (germline): Likely pathogenic. Review status: criteria provided, multiple submitters, no conflicts (2 of 4 stars). 2 submissions from 2 submitters: Likely pathogenic (2). Last evaluated 2025-11-22.

Conditions:
Cardiovascular phenotype. Identifiers: MedGen CN230736.
Alstrom syndrome (ALMS). Identifiers: Orphanet 64, MedGen C0268425, MONDO:0008763, OMIM 203800.

Allele frequency attached by ClinVar (database versions not stated): TOPMed below 0.00001; ExAC 0.00001; ESP Exome Variant Server 0.00008.
gnomAD v4.1: 5 of 1,613,862 alleles (0.00031%); highest among the groups gnomAD compares: African/African-American, 0.0013%; no homozygotes.

Submissions (2):

Labcorp Genetics (formerly Invitae), Labcorp
Classification: Likely pathogenic for Alstrom syndrome. Last evaluated: 2025-11-22. Review status: criteria provided, single submitter. Criteria: Invitae Variant Classification Sherloc (09022015). Collection method: clinical testing. Allele origin: germline.
Comment: This sequence change affects a donor splice site in intron 19 of the ALMS1 gene. It is expected to disrupt RNA splicing. Variants that disrupt the donor or acceptor splice site typically lead to a loss of protein function (PMID: 16199547), and loss-of-function variants in ALMS1 are known to be pathogenic (PMID: 17594715). The frequency data for this variant in the population databases is considered unreliable, as metrics indicate poor data quality at this position in the gnomAD database. This variant has not been reported in the literature in individuals affected with ALMS1-related conditions. ClinVar contains an entry for this variant (Variation ID: 2061183). Algorithms developed to predict the effect of sequence changes on RNA splicing suggest that this variant may disrupt the consensus splice site. In summary, the currently available evidence indicates that the variant is pathogenic, but additional data are needed to prove that conclusively. Therefore, this variant has been classified as Likely Pathogenic.

Ambry Genetics
Classification: Likely pathogenic for Cardiovascular phenotype. Last evaluated: 2022-11-03. Review status: criteria provided, single submitter. Criteria: Ambry Variant Classification Scheme 2023. Collection method: clinical testing. Allele origin: germline.
Comment: The c.12117+1G>A intronic variant results from a G to A substitution one nucleotide after coding exon 19 of the ALMS1 gene. This nucleotide position is highly conserved in available vertebrate species. In silico splice site analysis predicts that this alteration will weaken the native splice donor site. Alterations that disrupt the canonical splice site are expected to cause aberrant splicing, resulting in an abnormal protein or a transcript that is subject to nonsense-mediated mRNA decay. As such, this alteration is classified as likely pathogenic.

Literature cited by the submitters: PubMed 16199547 (cited by Labcorp Genetics (formerly Invitae), Labcorp); PubMed 17594715 (cited by Labcorp Genetics (formerly Invitae), Labcorp).

NM_001378454.1(ALMS1):c.12114+1G>A

Genes: ALMS1 (ALMS1 centrosome and basal body associated protein; plus strand), LOC126806252 (BRD4-independent group 4 enhancer GRCh37_chr2:73828496-73829695; plus strand). Cytogenetic location: 2p13.1.
Variant type: single nucleotide variant.
Coding change: c.12114+1G>A on transcript NM_001378454.1 (MANE Select); the canonical splice donor site of the intron after coding-DNA position 12114, G replaced by A.
Molecular consequence: splice donor variant.
Genome position (GRCh38, 1-based): chr2:73,601,437, G>A. VCF-style: chr2-73601437-G-A. GRCh37 (hg19) VCF-style: chr2-73828564-G-A.
Other names: c.12117+1G>A (NM_015120.4); c.12114+1G>A (NM_015120.4).
Identifiers: ClinVar variation 2061183 (VCV002061183.6), dbSNP rs376719320, ClinGen allele CA1715429.